The following is an entry in ClinVar:

NM_000257.4(MYH7):c.3145_3177del (p.Glu1049_Leu1059del)

Gene: MYH7 (myosin heavy chain 7; minus strand). Cytogenetic location: 14q11.2.
Variant type: Deletion.
Coding change: c.3145_3177del on transcript NM_000257.4 (MANE Select); coding-DNA positions 3145 to 3177, 33 bases deleted.
Protein change: p.Glu1049_Leu1059del.
Molecular consequence: inframe deletion. On other transcripts: inframe indel (1).
Genome position (GRCh38, 1-based): chr14:23,422,248-23,422,280, 33 bases deleted; deleting any 33 consecutive bases within chr14:23,422,248-23,422,286 gives the same sequence; the c. name uses the placement nearest the transcript's 3' end. GRCh37 (hg19): chr14:23,891,463-23,891,495.
Other names: c.3139_3171del33, p.Glu1049_Leu1059del (NM_001407004.1).
Identifiers: ClinVar variation 2065922 (VCV002065922.4), dbSNP rs2502272475, ClinGen allele CA2580088204.

ClinVar aggregate classification (germline): Uncertain significance (1 of 4 stars; one submission).

Conditions:
Hypertrophic cardiomyopathy. Also called: HYPERTROPHIC MYOCARDIOPATHY. Identifiers: Orphanet 217569, MedGen C0007194, MeSH D002312, MONDO:0005045, HP:0001639.

Submission:

Labcorp Genetics (formerly Invitae), Labcorp
Classification: Uncertain significance for Hypertrophic cardiomyopathy. Last evaluated: 2022-11-08. Review status: criteria provided, single submitter. Criteria: Invitae Variant Classification Sherloc (09022015). Collection method: clinical testing. Allele origin: germline.
Comment: In summary, the available evidence is currently insufficient to determine the role of this variant in disease. Therefore, it has been classified as a Variant of Uncertain Significance. Experimental studies and prediction algorithms are not available or were not evaluated, and the functional significance of this variant is currently unknown. This variant has not been reported in the literature in individuals affected with MYH7-related conditions. This variant is not present in population databases (gnomAD no frequency). This variant, c.3145_3177del, results in the deletion of 11 amino acid(s) of the MYH7 protein (p.Glu1049_Leu1059del), but otherwise preserves the integrity of the reading frame.